The following is an entry in ClinVar:

ClinVar aggregate classification (germline): Pathogenic (1 of 4 stars; one submission).

Conditions:
Duchenne muscular dystrophy (DMD). Also called: MUSCULAR DYSTROPHY, PSEUDOHYPERTROPHIC PROGRESSIVE, DUCHENNE TYPE; Duchenne Muscular Dystrophy (DMD). Identifiers: Orphanet 98896, MedGen C0013264, MONDO:0010679, OMIM 310200.

Submission:

Labcorp Genetics (formerly Invitae), Labcorp
Classification: Pathogenic for Duchenne muscular dystrophy. Last evaluated: 2020-07-14. Review status: criteria provided, single submitter. Criteria: Invitae Variant Classification Sherloc (09022015). Collection method: clinical testing. Allele origin: germline.
Comment: This variant has not been reported in the literature in individuals with DMD-related conditions. Loss-of-function variants in DMD are known to be pathogenic (PMID: 16770791, 25007885). For these reasons, this variant has been classified as Pathogenic. This variant is not present in population databases (ExAC no frequency). This sequence change creates a premature translational stop signal (p.Glu264*) in the DMD gene. It is expected to result in an absent or disrupted protein product.

Literature cited by the submitters: PubMed 16770791; PubMed 25007885.

NM_004006.3(DMD):c.790G>T (p.Glu264Ter)

Gene: DMD (dystrophin; minus strand). Cytogenetic location: Xp21.1.
Variant type: single nucleotide variant.
Coding change: c.790G>T on transcript NM_004006.3 (MANE Select); coding-DNA position 790, G replaced by T.
Protein change: p.Glu264Ter; replaces glutamic acid 264 with a stop codon.
Molecular consequence: nonsense.
Genome position (GRCh38, 1-based): chrX:32,699,153, C>A on the plus strand (G>T on the coding strand, the complement: DMD is on the minus strand). VCF-style: chrX-32699153-C-A. GRCh37 (hg19) VCF-style: chrX-32717270-C-A.
Other names: c.766G>T, p.Glu256Ter (NM_000109.4); c.778G>T, p.Glu260Ter (NM_004009.3); c.421G>T, p.Glu141Ter (NM_004010.3); short protein forms E141*, E256*, E260*, E264*.
Identifiers: ClinVar variation 1073030 (VCV001073030.7), dbSNP rs2147604088, ClinGen allele CA412668875.
Genomic context (GRCh38, chrX:32,699,153, plus strand): 5'-TGTCCTTTACACACTTTACCTGTTGAGAATAGTGCATTTGATGATGTAACTGAAAATGTT[C>A]TTCTTTAGTCACTTTAGGTGGCCTTGGCAACATTTCCACTTCCTGGATGGCTTCAATGCT-3'